The following is an entry in ClinVar:

ClinVar aggregate classification (germline): Uncertain significance. Review status: criteria provided, multiple submitters, no conflicts (2 of 4 stars). 3 submissions from 3 submitters: Uncertain significance (3). Last evaluated 2025-11-12.

Conditions:
Developmental and epileptic encephalopathy, 14 (DEE14). Also called: Early infantile epileptic encephalopathy 14. Identifiers: Orphanet 293181, MedGen C3554195, MONDO:0013989, OMIM 614959.
Autosomal dominant nocturnal frontal lobe epilepsy 5. Also called: KCNT1-Related Epilepsy; Epilepsy, nocturnal frontal lobe, 5; CILIARY DYSKINESIA, PRIMARY, 28, WITHOUT SITUS INVERSUS; CILIARY DYSKINESIA, PRIMARY, 28, WITH SITUS INVERSUS. Identifiers: Orphanet 98784, MedGen C3554306, MONDO:0014002, OMIM 615005.

Allele frequency attached by ClinVar (database versions not stated): TOPMed below 0.00001; ExAC 0.00001; gnomAD 0.00003; ESP Exome Variant Server 0.00008; 1000 Genomes Project 30x 0.00016; gnomAD exomes below 0.00001.
gnomAD v4.1: 15 of 1,610,608 alleles (0.00093%); highest among the groups gnomAD compares: Non-Finnish European, 0.00068%; no homozygotes.

Submissions (3):

Labcorp Genetics (formerly Invitae), Labcorp
Classification: Uncertain significance for Autosomal dominant nocturnal frontal lobe epilepsy 5; Developmental and epileptic encephalopathy, 14. Last evaluated: 2025-11-12. Review status: criteria provided, single submitter. Criteria: Invitae Variant Classification Sherloc (09022015). Collection method: clinical testing. Allele origin: germline.
Comment: This sequence change replaces arginine, which is basic and polar, with tryptophan, which is neutral and slightly polar, at codon 294 of the KCNT1 protein (p.Arg294Trp). The frequency data for this variant in the population databases is considered unreliable, as metrics indicate poor data quality at this position in the gnomAD database. This variant has not been reported in the literature in individuals affected with KCNT1-related conditions. ClinVar contains an entry for this variant (Variation ID: 1029789). Invitae Evidence Modeling of protein sequence and biophysical properties (such as structural, functional, and spatial information, amino acid conservation, physicochemical variation, residue mobility, and thermodynamic stability) indicates that this missense variant is expected to disrupt KCNT1 protein function with a positive predictive value of 80%. In summary, the available evidence is currently insufficient to determine the role of this variant in disease. Therefore, it has been classified as a Variant of Uncertain Significance.

CeGaT Center for Human Genetics Tuebingen
Classification: Uncertain significance. Last evaluated: 2025-06-01. Review status: criteria provided, single submitter. Criteria: CeGaT Center For Human Genetics Tuebingen Variant Classification Criteria Version 2. Collection method: clinical testing. Allele origin: germline. Affected: yes. Observed: 1 variant allele.

Baylor Genetics
Classification: Uncertain significance for Autosomal dominant nocturnal frontal lobe epilepsy 5. Last evaluated: 2020-02-12. Review status: criteria provided, single submitter. Criteria: ACMG Guidelines, 2015. Collection method: clinical testing. Allele origin: unknown. Affected: yes.
Comment: This variant was determined to be of uncertain significance according to ACMG Guidelines, 2015 [PMID:25741868].

NM_020822.3(KCNT1):c.880C>T (p.Arg294Trp)

Gene: KCNT1 (potassium sodium-activated channel subfamily T member 1; plus strand). Cytogenetic location: 9q34.3.
Variant type: single nucleotide variant.
Coding change: c.880C>T on transcript NM_020822.3 (MANE Select); coding-DNA position 880, C replaced by T.
Protein change: p.Arg294Trp; replaces arginine 294 with tryptophan.
Molecular consequence: missense variant.
Genome position (GRCh38, 1-based): chr9:135,759,704, C>T. VCF-style: chr9-135759704-C-T. GRCh37 (hg19) VCF-style: chr9-138651550-C-T.
Other names: c.745C>T, p.Arg249Trp (NM_001272003.2); short protein forms R249W, R294W.
Identifiers: ClinVar variation 1029789 (VCV001029789.10), dbSNP rs369101729, ClinGen allele CA5326702.